The following is an entry in ClinVar:

NM_001267550.2(TTN):c.45440G>A (p.Ser15147Asn)

Genes: TTN (titin; minus strand), LOC126806427 (BRD4-independent group 4 enhancer GRCh37_chr2:179485777-179486976; plus strand). Cytogenetic location: 2q31.2.
Variant type: single nucleotide variant.
Coding change: c.45440G>A on transcript NM_001267550.2 (MANE Select); coding-DNA position 45440, G replaced by A.
Protein change: p.Ser15147Asn; replaces serine 15147 with asparagine.
Molecular consequence: missense variant.
Genome position (GRCh38, 1-based): chr2:178,621,278, C>T on the plus strand (G>A on the coding strand, the complement: TTN is on the minus strand). VCF-style: chr2-178621278-C-T. GRCh37 (hg19) VCF-style: chr2-179486005-C-T.
Other names: c.40517G>A, p.Ser13506Asn (NM_001256850.1); c.18245G>A, p.Ser6082Asn (NM_003319.4); c.37736G>A, p.Ser12579Asn (NM_133378.4); c.18620G>A, p.Ser6207Asn (NM_133432.3); c.18821G>A, p.Ser6274Asn (NM_133437.4); short protein forms S12579N, S13506N, S15147N, S6082N, S6207N, S6274N.
Identifiers: ClinVar variation 1049866 (VCV001049866.1), dbSNP rs369604317, ClinGen allele CA1995430.

ClinVar aggregate classification (germline): Uncertain significance (0 of 4 stars; one submission).

Allele frequency attached by ClinVar (database versions not stated): gnomAD exomes 0.00001; ESP Exome Variant Server 0.00008; TOPMed below 0.00001; ExAC 0.00001; gnomAD 0.00001.
gnomAD v4.1: 9 of 1,612,088 alleles (0.00056%); highest among the groups gnomAD compares: Non-Finnish European, 0.00076%; no homozygotes.

Submission:

Department of Pathology and Laboratory Medicine, Sinai Health System
Classification: Uncertain significance. Review status: no assertion criteria provided. Collection method: clinical testing. Allele origin: unknown. Affected: yes. Study: The Canadian Open Genetics Repository (COGR).
Comment: The TTN p.Ser6207Asn variant was not identified in the literature nor was it identified in ClinVar, Cosmic or LOVD 3.0. The variant was identified in dbSNP (ID: rs369604317) and in the Exome Aggregation Consortium (August 8th 2016) database in 1 of 118826 control alleles (freq=0.0000084). The variant was identified in the European (non-Finnish) population in 1 of 65818 alleles (freq=0.000015) but was not identified in the African, East Asian, South Asian, Other, Latino or European (Finnish) populations. The variant was also not identified in the Genome Aggregation Database (Feb 27, 2017). Computational analyses (PolyPhen-2, BLOSUM, MutationTaster) provide inconsistent predictions regarding the impact to the protein. The variant occurs outside of the splicing consensus sequence and in silico or computational prediction software programs (SpliceSiteFinder, MaxEntScan, NNSPLICE, GeneSplicer) do not predict a difference in splicing. In summary, based on the above information the clinical significance of this variant cannot be determined with certainty at this time. This variant is classified as a variant of uncertain significance.